The following is an entry in ClinVar:

ClinVar aggregate classification (germline): Uncertain significance. Review status: criteria provided, multiple submitters, no conflicts (2 of 4 stars). 2 submissions from 2 submitters: Uncertain significance (2). Last evaluated 2025-01-14.

Conditions:
Inborn genetic diseases. Identifiers: MedGen C0950123, MeSH D030342.
Cerebral cavernous malformation (CCM). Also called: Cerebral cavernous malformations; Cavernous Hemangioma of Brain; CAVERNOUS ANGIOMA, FAMILIAL; CAVERNOUS ANGIOMATOUS MALFORMATIONS; CEREBRAL CAPILLARY MALFORMATIONS; Cerebral cavernous hemangioma (type). Identifiers: Orphanet 221061, MedGen C2919945, MONDO:0000820, OMIM 116860, HP:0033522.

Allele frequency attached by ClinVar (database versions not stated): gnomAD exomes below 0.00001; gnomAD 0.00001; TOPMed 0.00001.
gnomAD v4.1: 3 of 1,605,138 alleles (0.00019%); highest among the groups gnomAD compares: African/African-American, 0.004%; no homozygotes.

Submissions (2):

Ambry Genetics
Classification: Uncertain significance for Inborn genetic diseases. Last evaluated: 2025-01-14. Review status: criteria provided, single submitter. Criteria: Ambry Variant Classification Scheme 2023. Collection method: clinical testing. Allele origin: germline.

Labcorp Genetics (formerly Invitae), Labcorp
Classification: Uncertain significance for Cerebral cavernous malformation. Last evaluated: 2023-12-10. Review status: criteria provided, single submitter. Criteria: Invitae Variant Classification Sherloc (09022015). Collection method: clinical testing. Allele origin: germline.
Comment: This sequence change replaces methionine, which is neutral and non-polar, with valine, which is neutral and non-polar, at codon 448 of the KRIT1 protein (p.Met448Val). This variant is present in population databases (no rsID available, gnomAD 0.007%). This variant has not been reported in the literature in individuals affected with KRIT1-related conditions. Advanced modeling of protein sequence and biophysical properties (such as structural, functional, and spatial information, amino acid conservation, physicochemical variation, residue mobility, and thermodynamic stability) performed at Invitae indicates that this missense variant is not expected to disrupt KRIT1 protein function with a negative predictive value of 80%. In summary, the available evidence is currently insufficient to determine the role of this variant in disease. Therefore, it has been classified as a Variant of Uncertain Significance.

NM_194454.3(KRIT1):c.1342A>G (p.Met448Val)

Gene: KRIT1 (KRIT1 ankyrin repeat containing; minus strand). Cytogenetic location: 7q21.2.
Variant type: single nucleotide variant.
Coding change: c.1342A>G on transcript NM_194454.3 (MANE Select); coding-DNA position 1342, A replaced by G.
Protein change: p.Met448Val; replaces methionine 448 with valine.
Molecular consequence: missense variant.
Genome position (GRCh38, 1-based): chr7:92,222,891, T>C on the plus strand (A>G on the coding strand, the complement: KRIT1 is on the minus strand). VCF-style: chr7-92222891-T-C. GRCh37 (hg19) VCF-style: chr7-91852205-T-C.
Other names: c.1198A>G, p.Met400Val (NM_001013406.2, NM_001350669.1, NM_001350670.1); c.628A>G, p.Met210Val (NM_001350671.1); c.1342A>G, p.Met448Val (NM_001350672.1, NM_001350673.1, NM_001350674.1 and 26 more transcripts); short protein forms M448V, M210V, M400V.
Identifiers: ClinVar variation 2889611 (VCV002889611.4), dbSNP rs1291992806, ClinGen allele CA368147450.